The following is an entry in ClinVar:

ClinVar aggregate classification (germline): Likely benign (1 of 4 stars; one submission).

gnomAD v4.1: 3 of 1,551,892 alleles (0.00019%); highest among the groups gnomAD compares: East Asian, 0.0025%; no homozygotes.

Submission:

CeGaT Center for Human Genetics Tuebingen
Classification: Likely benign. Last evaluated: 2026-05-01. Review status: criteria provided, single submitter. Criteria: CeGaT Center For Human Genetics Tuebingen Variant Classification Criteria Version 2. Collection method: clinical testing. Allele origin: germline. Affected: yes. Observed: 3 variant alleles.
Comment: BTBD17: BP4, BP7

NM_001080466.2(BTBD17):c.921C>T (p.Asn307=)

Gene: BTBD17 (BTB domain containing 17; minus strand). Cytogenetic location: 17q25.1.
Variant type: single nucleotide variant.
Coding change: c.921C>T on transcript NM_001080466.2 (MANE Select); coding-DNA position 921, C replaced by T.
Protein change: p.Asn307=; no amino-acid change (asparagine 307 retained).
Molecular consequence: synonymous variant.
Genome position (GRCh38, 1-based): chr17:74,357,173, G>A on the plus strand (C>T on the coding strand, the complement: BTBD17 is on the minus strand). VCF-style: chr17-74357173-G-A. GRCh37 (hg19) VCF-style: chr17-72353312-G-A.
Identifiers: ClinVar variation 4084515 (VCV004084515.8).